The following is an entry in ClinVar:

NM_005045.4(RELN):c.1022C>T (p.Ala341Val)

Gene: RELN (reelin; minus strand). Cytogenetic location: 7q22.1.
Variant type: single nucleotide variant.
Coding change: c.1022C>T on transcript NM_005045.4 (MANE Select); coding-DNA position 1022, C replaced by T.
Protein change: p.Ala341Val; replaces alanine 341 with valine.
Molecular consequence: missense variant.
Genome position (GRCh38, 1-based): chr7:103,697,974, G>A on the plus strand (C>T on the coding strand, the complement: RELN is on the minus strand). VCF-style: chr7-103697974-G-A. GRCh37 (hg19) VCF-style: chr7-103338421-G-A.
Other names: c.1022C>T, p.Ala341Val (NM_173054.3); short protein forms A341V.
Identifiers: ClinVar variation 1035764 (VCV001035764.9), dbSNP rs1467885013, ClinGen allele CA368927661.

ClinVar aggregate classification (germline): Uncertain significance (1 of 4 stars; one submission).

Conditions:
Norman-Roberts syndrome (LIS2). Also called: Lissencephaly 2 (Norman-Roberts type). Identifiers: Orphanet 89844, MedGen C0796089, MONDO:0009760, OMIM 257320.
Familial temporal lobe epilepsy 7. Identifiers: Orphanet 101046, MedGen C4225327, MONDO:0014639, OMIM 616436.

Submission:

Labcorp Genetics (formerly Invitae), Labcorp
Classification: Uncertain significance for Familial temporal lobe epilepsy 7; Norman-Roberts syndrome. Last evaluated: 2023-10-13. Review status: criteria provided, single submitter. Criteria: Invitae Variant Classification Sherloc (09022015). Collection method: clinical testing. Allele origin: germline.
Comment: This sequence change replaces alanine, which is neutral and non-polar, with valine, which is neutral and non-polar, at codon 341 of the RELN protein (p.Ala341Val). This variant is not present in population databases (gnomAD no frequency). This variant has not been reported in the literature in individuals affected with RELN-related conditions. ClinVar contains an entry for this variant (Variation ID: 1035764). Advanced modeling of protein sequence and biophysical properties (such as structural, functional, and spatial information, amino acid conservation, physicochemical variation, residue mobility, and thermodynamic stability) performed at Invitae indicates that this missense variant is not expected to disrupt RELN protein function. In summary, the available evidence is currently insufficient to determine the role of this variant in disease. Therefore, it has been classified as a Variant of Uncertain Significance.